The following is an entry in ClinVar:

NM_000632.4(ITGAM):c.1414A>G (p.Thr472Ala)

Gene: ITGAM (integrin subunit alpha M; plus strand). Cytogenetic location: 16p11.2.
Variant type: single nucleotide variant.
Coding change: c.1414A>G on transcript NM_000632.4 (MANE Select); coding-DNA position 1414, A replaced by G.
Protein change: p.Thr472Ala; replaces threonine 472 with alanine.
Molecular consequence: missense variant.
Genome position (GRCh38, 1-based): chr16:31,297,571, A>G. VCF-style: chr16-31297571-A-G. GRCh37 (hg19) VCF-style: chr16-31308892-A-G.
Other names: c.1414A>G, p.Thr472Ala (NM_001145808.2); short protein forms T472A.
Identifiers: ClinVar variation 1354709 (VCV001354709.6), dbSNP rs200398363, ClinGen allele CA8025539.

ClinVar aggregate classification (germline): Uncertain significance (1 of 4 stars; one submission).

Allele frequency attached by ClinVar (database versions not stated): gnomAD exomes 0.00003 and 0.00007; ExAC 0.00007; ESP Exome Variant Server 0.00015; 1000 Genomes Project 30x 0.00031; gnomAD 0.00031 and 0.00035; TOPMed 0.00038; 1000 Genomes Project 0.00040.
gnomAD v4.1: 99 of 1,612,300 alleles (0.0061%); highest among the groups gnomAD compares: African/African-American, 0.11%; no homozygotes.

Submission:

Labcorp Genetics (formerly Invitae), Labcorp
Classification: Uncertain significance. Last evaluated: 2025-11-06. Review status: criteria provided, single submitter. Criteria: Invitae Variant Classification Sherloc (09022015). Collection method: clinical testing. Allele origin: germline.
Comment: This sequence change replaces threonine, which is neutral and polar, with alanine, which is neutral and non-polar, at codon 472 of the ITGAM protein (p.Thr472Ala). This variant is present in population databases (rs200398363, gnomAD 0.1%), and has an allele count higher than expected for a pathogenic variant. This variant has not been reported in the literature in individuals affected with ITGAM-related conditions. ClinVar contains an entry for this variant (Variation ID: 1354709). An algorithm developed to predict the effect of missense changes on protein structure and function (PolyPhen-2) suggests that this variant is likely to be tolerated. In summary, the available evidence is currently insufficient to determine the role of this variant in disease. Therefore, it has been classified as a Variant of Uncertain Significance.